The following is an entry in ClinVar:

NM_004415.4(DSP):c.5101A>G (p.Ile1701Val)

Gene: DSP (desmoplakin; plus strand). Cytogenetic location: 6p24.3.
Variant type: single nucleotide variant.
Coding change: c.5101A>G on transcript NM_004415.4 (MANE Select); coding-DNA position 5101, A replaced by G.
Protein change: p.Ile1701Val; replaces isoleucine 1701 with valine.
Molecular consequence: missense variant. On other transcripts: intron variant (2).
Genome position (GRCh38, 1-based): chr6:7,581,291, A>G. VCF-style: chr6-7581291-A-G. GRCh37 (hg19) VCF-style: chr6-7581524-A-G.
Other names: p.I1701V:ATA>GTA; c.5101A>G (LRG_423t1); c.4050+1051A>G (NM_001319034.2); c.3583-1351A>G (NM_001008844.3); short protein forms I1701V.
Identifiers: ClinVar variation 199936 (VCV000199936.11), dbSNP rs794728154, ClinGen allele CA004659.

ClinVar aggregate classification (germline): Uncertain significance. Review status: criteria provided, multiple submitters, no conflicts (2 of 4 stars). 3 submissions from 3 submitters: Uncertain significance (3). Last evaluated 2023-02-24.

Conditions:
Arrhythmogenic cardiomyopathy with wooly hair and keratoderma. Also called: Carvajal syndrome; Dilated cardiomyopathy with woolly hair and keratoderma; Arrhythmogenic cardiomyopathy with woolly hair and keratoderma; PALMOPLANTAR KERATODERMA WITH LEFT VENTRICULAR CARDIOMYOPATHY AND WOOLLY HAIR. Identifiers: Orphanet 65282, MedGen C1854063, MONDO:0011581, OMIM 605676.
Arrhythmogenic right ventricular dysplasia 8 (ARVD8). Also called: Arrhythmogenic Right Ventricular Dysplasia/Cardiomyopathy 8; ARRHYTHMOGENIC RIGHT VENTRICULAR CARDIOMYOPATHY 8; ARRHYTHMOGENIC RIGHT VENTRICULAR DYSPLASIA, FAMILIAL, 8. Identifiers: MedGen C1843896, MONDO:0011831, OMIM 607450.

Allele frequency attached by ClinVar (database versions not stated): gnomAD exomes below 0.00001.
gnomAD v4.1: 1 of 1,614,168 alleles (0.000062%); highest among the groups gnomAD compares: Non-Finnish European, 0.000085%; no homozygotes.

Submissions (3):

All of Us Research Program, National Institutes of Health
Classification: Uncertain significance for Arrhythmogenic cardiomyopathy with wooly hair and keratoderma. Last evaluated: 2023-02-24. Review status: criteria provided, single submitter. Criteria: ACMG Guidelines, 2015. Collection method: clinical testing. Allele origin: germline. Inheritance: Autosomal dominant inheritance. Observed: 1 variant allele, 1 heterozygote.
Comment: This missense variant replaces isoleucine with valine at codon 1701 of the DSP protein. Computational prediction suggests that this variant may not impact protein structure and function (internally defined REVEL score threshold <= 0.5, PMID: 27666373). To our knowledge, functional studies have not been reported for this variant. This variant has not been reported in individuals affected with DSP-related disorders in the literature. This variant has not been identified in the general population by the Genome Aggregation Database (gnomAD). The available evidence is insufficient to determine the role of this variant in disease conclusively. Therefore, this variant is classified as a Variant of Uncertain Significance.

This study involves interpretation of variants in research participants for the purpose of population health screening. Participant phenotype was not available at the time of variant classification. Additional details can be found in publication PMID: 35346344, PMCID: PMC8962531

Labcorp Genetics (formerly Invitae), Labcorp
Classification: Uncertain significance for Arrhythmogenic cardiomyopathy with wooly hair and keratoderma; Arrhythmogenic right ventricular dysplasia 8. Last evaluated: 2018-01-04. Review status: criteria provided, single submitter. Criteria: Invitae Variant Classification Sherloc (09022015). Collection method: clinical testing. Allele origin: germline.
Comment: In summary, the available evidence is currently insufficient to determine the role of this variant in disease. Therefore, it has been classified as a Variant of Uncertain Significance. Algorithms developed to predict the effect of missense changes on protein structure and function (SIFT, PolyPhen-2, Align-GVGD) all suggest that this variant is likely to be tolerated, but these predictions have not been confirmed by published functional studies and their clinical significance is uncertain. This variant has not been reported in the literature in individuals with DSP-related disease. ClinVar contains an entry for this variant (Variation ID: 199936). This variant is not present in population databases (ExAC no frequency). This sequence change replaces isoleucine with valine at codon 1701 of the DSP protein (p.Ile1701Val). The isoleucine residue is highly conserved and there is a small physicochemical difference between isoleucine and valine.

GeneDx
Classification: Uncertain significance. Last evaluated: 2014-09-22. Review status: criteria provided, single submitter. Criteria: GeneDx Variant Classification (06012015). Collection method: clinical testing. Allele origin: germline. Affected: yes.
Comment: p.Ile1701Val (ATA>GTA): c.5101 A>G in exon 23 of the DSP gene (NM_004415.2). The I1701V variant has not been published as a mutation, nor has it been reported as a benign polymorphism to our knowledge. The I1701V variant was not observed in approximately 6,500 individuals of European and African American ancestry in the NHLBI Exome Sequencing Project, indicating it is not a common benign variant in these populations. The I1701V substitution occurs at a position that is class conserved among mammals. However, the I1701V variant is a conservative amino acid substitution, which is not likely to impact secondary protein structure as these residues share similar properties. In silico analysis is inconsistent in its predictions as to whether or not the variant is damaging to the protein structure/function. Additionally, missense mutations in nearby residues have not been reported, indicating this region of the protein may be tolerant of change. Therefore, based on the currently available information, it is unclear whether this variant is a pathogenic mutation or a rare benign variant. The variant is found in CARDIOMYOPATHY panel(s).